The following is an entry in ClinVar:

NM_002911.4(UPF1):c.2867C>T (p.Ser956Phe)

Gene: UPF1 (UPF1 RNA helicase and ATPase; plus strand). Cytogenetic location: 19p13.11.
Variant type: single nucleotide variant.
Coding change: c.2867C>T on transcript NM_002911.4 (MANE Select); coding-DNA position 2867, C replaced by T.
Protein change: p.Ser956Phe; replaces serine 956 with phenylalanine.
Molecular consequence: missense variant.
Genome position (GRCh38, 1-based): chr19:18,865,298, C>T. VCF-style: chr19-18865298-C-T. GRCh37 (hg19) VCF-style: chr19-18976107-C-T.
Other names: c.2900C>T, p.Ser967Phe (NM_001297549.2); short protein forms S956F, S967F.
Identifiers: ClinVar variation 3378256 (VCV003378256.1).

ClinVar aggregate classification (germline): Uncertain significance (1 of 4 stars; one submission).

Submission:

GeneDx
Classification: Uncertain significance. Last evaluated: 2024-05-14. Review status: criteria provided, single submitter. Criteria: GeneDx Variant Classification Process June 2021. Collection method: clinical testing. Allele origin: germline. Affected: yes.
Comment: Not observed at significant frequency in large population cohorts (gnomAD); In silico analysis indicates that this missense variant does not alter protein structure/function; Has not been previously published as pathogenic or benign to our knowledge